The following is an entry in ClinVar:

ClinVar aggregate classification (germline): Conflicting classifications of pathogenicity. Review status: criteria provided, conflicting classifications (1 of 4 stars). 4 submissions from 4 submitters: Uncertain significance (3); Likely benign (1). Last evaluated 2025-11-01.

Conditions:
Atypical hemolytic-uremic syndrome with MCP/CD46 anomaly. Also called: HEMOLYTIC UREMIC SYNDROME, ATYPICAL, SUSCEPTIBILITY TO, 2; AHUS, SUSCEPTIBILITY TO, 2. Identifiers: Orphanet 2134, MedGen C2752040, MONDO:0013040, OMIM 612922.
CD46-related disorder. Also called: CD46-related condition.

Allele frequency attached by ClinVar (database versions not stated): gnomAD 0.00033 and 0.00032; gnomAD exomes 0.00036; ESP Exome Variant Server 0.00038; TOPMed 0.00018; ExAC 0.00053.
gnomAD v4.1: 523 of 1,613,892 alleles (0.032%); highest among the groups gnomAD compares: Non-Finnish European, 0.041%; no homozygotes.

Submissions (4):

PreventionGenetics, part of Exact Sciences
Classification: Uncertain significance for CD46-related condition. Last evaluated: 2025-11-01. Review status: criteria provided, single submitter. Criteria: ACMG Guidelines, 2015. Collection method: clinical testing. Allele origin: germline.
Comment: The CD46 c.198A>T variant is predicted to result in the amino acid substitution p.Lys66Asn. To our knowledge, this variant has not been reported in the literature in individuals with atypical hemolytic uremic syndrome. This variant is reported in 0.070% of alleles in individuals of European (Non-Finnish) descent in gnomAD, which may be too common to be a primary cause of disease. Although we suspect that this variant may be benign, at this time, the clinical significance of this variant is uncertain due to the absence of conclusive functional and genetic evidence.

Labcorp Genetics (formerly Invitae), Labcorp
Classification: Likely benign. Last evaluated: 2025-07-02. Review status: criteria provided, single submitter. Criteria: Invitae Variant Classification Sherloc (09022015). Collection method: clinical testing. Allele origin: germline.

Mayo Clinic Laboratories, Mayo Clinic
Classification: Uncertain significance. Last evaluated: 2024-05-29. Review status: criteria provided, single submitter. Criteria: ACMG Guidelines, 2015. Collection method: clinical testing. Allele origin: germline. Observed: 2 variant alleles.
Comment: BP4

Johns Hopkins Genomics, Johns Hopkins University
Classification: Uncertain significance for Atypical hemolytic-uremic syndrome with MCP/CD46 anomaly. Last evaluated: 2021-07-27. Review status: criteria provided, single submitter. Criteria: ACMG Guidelines, 2015. Collection method: clinical testing. Allele origin: germline.
Comment: CD46 c.198A>G (rs150429980) is rare (<0.1%) in a large population dataset (gnomAD: 106/282834 total alleles; 0.04%; no homozygotes) and has not been reported in ClinVar. It has not been reported in the literature in individuals with atypical hemolytic anemia syndrome, to our knowledge. Of three bioinformatics tools queried, one predicts that the substitution would be damaging, while two predict that it would be tolerated. The lysine residue at this position is evolutionarily conserved across a subset of the mammalian species assessed. We consider the clinical significance of CD46 c.198A>G to be uncertain at this time.

Literature cited by the submitters: PubMed 21445332 (cited by Mayo Clinic Laboratories, Mayo Clinic); PubMed 25710174 (cited by Mayo Clinic Laboratories, Mayo Clinic); PubMed 26054645 (cited by Mayo Clinic Laboratories, Mayo Clinic and Johns Hopkins Genomics, Johns Hopkins University); PubMed 26895476 (cited by Mayo Clinic Laboratories, Mayo Clinic); PubMed 29327071 (cited by Mayo Clinic Laboratories, Mayo Clinic); PubMed 29500241 (cited by Mayo Clinic Laboratories, Mayo Clinic); PubMed 30483272 (cited by Mayo Clinic Laboratories, Mayo Clinic).

NM_172351.3(CD46):c.198A>T (p.Lys66Asn)

Gene: CD46 (CD46 molecule; plus strand). Cytogenetic location: 1q32.2.
Variant type: single nucleotide variant.
Coding change: c.198A>T on transcript NM_172351.3 (MANE Select); coding-DNA position 198, A replaced by T.
Protein change: p.Lys66Asn; replaces lysine 66 with asparagine.
Molecular consequence: missense variant.
Genome position (GRCh38, 1-based): chr1:207,757,114, A>T. VCF-style: chr1-207757114-A-T. GRCh37 (hg19) VCF-style: chr1-207930459-A-T.
Other names: p.Lys66Asn; c.198A>T, p.Lys66Asn (NM_002389.4, NM_153826.4, NM_172350.3 and 8 more transcripts); short protein forms K66N.
Identifiers: ClinVar variation 1185017 (VCV001185017.11), dbSNP rs150429980, ClinGen allele CA1371556.